The following is an entry in ClinVar:

ClinVar aggregate classification (germline): Benign/Likely benign. Review status: criteria provided, multiple submitters, no conflicts (2 of 4 stars). 3 submissions from 3 submitters: Benign (1); Likely benign (2). Last evaluated 2026-01-28.

Conditions:
Junctional epidermolysis bullosa, non-Herlitz type. Also called: EPIDERMOLYSIS BULLOSA, JUNCTIONAL 1A, INTERMEDIATE; EPIDERMOLYSIS BULLOSA JUNCTIONALIS, DISENTIS TYPE; EPIDERMOLYSIS BULLOSA JUNCTIONALIS, NON-HERLITZ TYPE; EPIDERMOLYSIS BULLOSA JUNCTIONALIS, PROGRESSIVE; EPIDERMOLYSIS BULLOSA JUNCTIONALIS, SEVERE NONLETHAL; COL17A1-Related Junctional Epidermolysis Bullosa. Identifiers: Orphanet 251393, Orphanet 79402, Orphanet 79405, Orphanet 89840, MedGen C0268374, MONDO:0009180, OMIM 226650.

Allele frequency attached by ClinVar (database versions not stated): gnomAD 0.00001 and 0.00030; TOPMed 0.00004; gnomAD exomes 0.00095; ExAC 0.00101; 1000 Genomes Project 30x 0.00141; 1000 Genomes Project 0.00160.

Submissions (3):

Labcorp Genetics (formerly Invitae), Labcorp
Classification: Benign. Last evaluated: 2026-01-28. Review status: criteria provided, single submitter. Criteria: Invitae Variant Classification Sherloc (09022015). Collection method: clinical testing. Allele origin: germline.

Blueprint Genetics
Classification: Likely benign. Last evaluated: 2024-11-18. Review status: criteria provided, single submitter. Criteria: ACMG Guidelines, 2015. Collection method: clinical testing. Allele origin: germline.

Illumina Laboratory Services, Illumina
Classification: Likely benign for Junctional epidermolysis bullosa, non-Herlitz type. Last evaluated: 2018-01-13. Review status: criteria provided, single submitter. Criteria: ICSL Variant Classification Criteria 13 December 2019. Collection method: clinical testing. Allele origin: germline.
Comment: This variant was observed in the ICSL laboratory as part of a predisposition screen in an ostensibly healthy population. It had not been previously curated by ICSL or reported in the Human Gene Mutation Database (HGMD: prior to June 1st, 2018), and was therefore a candidate for classification through an automated scoring system. Utilizing variant allele frequency, disease prevalence and penetrance estimates, and inheritance mode, an automated score was calculated to assess if this variant is too frequent to cause the disease. Based on the score and internal cut-off values, a variant classified as likely benign is not then subjected to further curation. The score for this variant resulted in a classification of likely benign for this disease.

NM_000494.4(COL17A1):c.2822-13T>C

Gene: COL17A1 (collagen type XVII alpha 1 chain; minus strand). Cytogenetic location: 10q25.1.
Variant type: single nucleotide variant.
Coding change: c.2822-13T>C on transcript NM_000494.4 (MANE Select); 13 bases into the intron before coding-DNA position 2822, T replaced by C.
Molecular consequence: intron variant.
Genome position (GRCh38, 1-based): chr10:104,039,532, A>G on the plus strand (T>C on the coding strand, the complement: COL17A1 is on the minus strand). VCF-style: chr10-104039532-A-G. GRCh37 (hg19) VCF-style: chr10-105799290-A-G.
Identifiers: ClinVar variation 877202 (VCV000877202.8), dbSNP rs543310511, ClinGen allele CA5678223.